The following is an entry in ClinVar:

NM_000466.3:c.(1587+1_1588-1)insSVA

Gene: PEX1 (peroxisomal biogenesis factor 1; minus strand).
Variant type: Insertion.
Other names: c.(1587+1_1588-1)insSVA (NM_000466.3).
Identifiers: ClinVar variation 4530684 (VCV004530684.1).

ClinVar aggregate classification (germline): Uncertain significance (1 of 4 stars; one submission).

Conditions:
Peroxisome biogenesis disorder 1B (PBD1B). Also called: PEROXISOME BIOGENESIS DISORDER (NEONATAL ADRENOLEUKODYSTROPHY/INFANTILE REFSUM DISEASE); INFANTILE PHYTANIC ACID STORAGE DISEASE; PEROXISOME BIOGENESIS DISORDER (NALD/IRD); ADRENOLEUKODYSTROPHY, AUTOSOMAL NEONATAL; Refsum disease, infantile form; Infantile Refsum disease. Identifiers: Orphanet 44, MedGen C0282527, MONDO:0011101, OMIM 601539.

Submission:

Centro de Biología Molecular Severo Ochoa, Universidad Autónoma de Madrid
Classification: Uncertain significance for Peroxisome biogenesis disorder 1B. Last evaluated: 2025-11-10. Review status: criteria provided, single submitter. Criteria: ACMG Guidelines, 2015. Collection method: clinical testing. Allele origin: unknown. Inheritance: Autosomal recessive inheritance. Affected: yes.
Comment: Since the variant is not present in population frequency databases, and the phenotype of the patient is compatible with defects in this gene, we classify this variant as VUS according to ACMG guidelines